The following is an entry in ClinVar:

ClinVar aggregate classification (germline): Likely pathogenic (1 of 4 stars; one submission).

Conditions:
ALG6-congenital disorder of glycosylation 1C (CDG1C). Also called: Congenital disorder of glycosylation, type Ic; CDG Ic; CARBOHYDRATE-DEFICIENT GLYCOPROTEIN SYNDROME, TYPE I, WITH DEFICIENT GLYCOSYLATION OF DOLICHOL-LINKED OLIGOSACCHARIDE; CARBOHYDRATE-DEFICIENT GLYCOPROTEIN SYNDROME, TYPE V; Congenital disorder of glycosylation type 1C. Identifiers: Orphanet 79320, MedGen C2930997, MONDO:0011291, OMIM 603147.

Submission:

Natera, Inc.
Classification: Likely pathogenic for Congenital disorder of glycosylation type 1c. Last evaluated: 2024-03-20. Review status: criteria provided, single submitter. Criteria: Natera Variant Classification Schema (03/2026). Collection method: clinical testing. Allele origin: germline.
Comment: The c.513delT variant in ALG6 is a frameshift variant predicted to shift the reading frame beginning at codon 172 and leads to a stop codon 17 codons downstream. This variant is expected to result in nonsense mediated decay, truncation, or a dysfunctional protein product. This variant is rare in the general population with a frequency below the threshold expected for the associated phenotype(s). Given the available evidence, this variant is classified as Likely Pathogenic.

NM_013339.4(ALG6):c.513del (p.Gly172fs)

Gene: ALG6 (ALG6 alpha-1,3-glucosyltransferase; plus strand). Cytogenetic location: 1p31.3.
Variant type: Deletion.
Coding change: c.513del on transcript NM_013339.4 (MANE Select); coding-DNA position 513, one base deleted (T; older notation c.513delT).
Protein change: p.Gly172fs; shifts the reading frame from glycine 172.
Molecular consequence: frameshift variant.
Genome position (GRCh38, 1-based): chr1:63,411,164, T deleted; the last of 2 consecutive T bases (chr1:63,411,163-63,411,164); deleting either gives the same sequence. VCF-style (leftmost placement, unchanged base first): chr1-63411162-CT-C. GRCh37 (hg19) VCF-style: chr1-63876833-CT-C.
Other names: short protein forms G172fs.
Identifiers: ClinVar variation 4815579 (VCV004815579.1).